The following is an entry in ClinVar:

NM_024928.5(STN1):c.897C>A (p.Asp299Glu)

Gene: STN1 (STN1 subunit of CST complex; minus strand). Cytogenetic location: 10q24.33.
Variant type: single nucleotide variant.
Coding change: c.897C>A on transcript NM_024928.5 (MANE Select); coding-DNA position 897, C replaced by A.
Protein change: p.Asp299Glu; replaces aspartic acid 299 with glutamic acid.
Molecular consequence: missense variant.
Genome position (GRCh38, 1-based): chr10:103,889,124, G>T on the plus strand (C>A on the coding strand, the complement: STN1 is on the minus strand). VCF-style: chr10-103889124-G-T. GRCh37 (hg19) VCF-style: chr10-105648882-G-T.
Other names: short protein forms D299E.
Identifiers: ClinVar variation 2157103 (VCV002157103.1), dbSNP rs1297860081, ClinGen allele CA378043811.

ClinVar aggregate classification (germline): Uncertain significance (1 of 4 stars; one submission).

Allele frequency attached by ClinVar (database versions not stated): gnomAD 0.00001; TOPMed 0.00003.
gnomAD v4.1: 7 of 1,613,206 alleles (0.00043%); highest among the groups gnomAD compares: African/African-American, 0.0027%; no homozygotes.

Submission:

Labcorp Genetics (formerly Invitae), Labcorp
Classification: Uncertain significance. Last evaluated: 2022-10-03. Review status: criteria provided, single submitter. Criteria: Invitae Variant Classification Sherloc (09022015). Collection method: clinical testing. Allele origin: germline.
Comment: This sequence change replaces aspartic acid, which is acidic and polar, with glutamic acid, which is acidic and polar, at codon 299 of the STN1 protein (p.Asp299Glu). This variant is not present in population databases (gnomAD no frequency). This variant has not been reported in the literature in individuals affected with STN1-related conditions. Advanced modeling of protein sequence and biophysical properties (such as structural, functional, and spatial information, amino acid conservation, physicochemical variation, residue mobility, and thermodynamic stability) performed at Invitae indicates that this missense variant is not expected to disrupt STN1 protein function. In summary, the available evidence is currently insufficient to determine the role of this variant in disease. Therefore, it has been classified as a Variant of Uncertain Significance.